The following is an entry in ClinVar:

NM_000091.5(COL4A3):c.899G>A (p.Gly300Glu)

Genes: COL4A3 (collagen type IV alpha 3 chain; plus strand), MFF-DT (MFF divergent transcript; minus strand). Cytogenetic location: 2q36.3.
Variant type: single nucleotide variant.
Coding change: c.899G>A on transcript NM_000091.5 (MANE Select); coding-DNA position 899, G replaced by A.
Protein change: p.Gly300Glu; replaces glycine 300 with glutamic acid.
Molecular consequence: missense variant.
Genome position (GRCh38, 1-based): chr2:227,256,036, G>A. VCF-style: chr2-227256036-G-A. GRCh37 (hg19) VCF-style: chr2-228120752-G-A.
Other names: short protein forms G300E.
Identifiers: ClinVar variation 4817278 (VCV004817278.1).

ClinVar aggregate classification (germline): Likely pathogenic (1 of 4 stars; one submission).

Conditions:
Alport syndrome. Also called: Hemorrhagic familial nephritis; Hemorrhagic hereditary nephritis; Congenital hereditary hematuria. Identifiers: Orphanet 63, MedGen C1567741, MONDO:0018965.

Submission:

Natera, Inc.
Classification: Likely pathogenic for Alport syndrome. Last evaluated: 2025-08-21. Review status: criteria provided, single submitter. Criteria: Natera Variant Classification Schema (03/2026). Collection method: clinical testing. Allele origin: germline.
Comment: The c.899G>A variant in COL4A3 is a missense variant predicted to cause substitution of glycine to glutamic acid at amino acid 300. This variant is rare in the general population with a frequency below the threshold expected for the associated phenotype(s). This variant is located in a functionally critical region of the protein. Computational prediction algorithms indicate this variant is likely to affect gene or protein function. Given the available evidence, this variant is classified as Likely Pathogenic.